The following is an entry in ClinVar:

ClinVar aggregate classification (germline): Likely benign. Review status: criteria provided, multiple submitters, no conflicts (2 of 4 stars). 3 submissions from 3 submitters: Likely benign (2). 1 of the submissions does not count toward it. Last evaluated 2024-08-01.

Conditions:
CDH15-related disorder. Also called: CDH15-related condition.

Allele frequency attached by ClinVar (database versions not stated): TOPMed 0.00012; gnomAD 0.00015 and 0.00017; ExAC 0.00038.

Submissions (3):

CeGaT Center for Human Genetics Tuebingen
Classification: Likely benign. Last evaluated: 2024-08-01. Review status: criteria provided, single submitter. Criteria: CeGaT Center For Human Genetics Tuebingen Variant Classification Criteria Version 2. Collection method: clinical testing. Allele origin: germline. Affected: yes. Observed: 4 variant alleles.
Comment: CDH15: BP4, BP7

Genetic Services Laboratory, University of Chicago
Classification: Likely benign. Last evaluated: 2016-05-05. Review status: criteria provided, single submitter. Criteria: ACMG Guidelines, 2015. Collection method: clinical testing. Allele origin: germline. Affected: no.

PreventionGenetics, part of Exact Sciences
Classification: Likely benign for CDH15-related condition. Last evaluated: 2019-08-14. Review status: no assertion criteria provided. Collection method: clinical testing. Allele origin: germline. Not counted in ClinVar's aggregate classification.
Comment: This variant is classified as likely benign based on ACMG/AMP sequence variant interpretation guidelines (Richards et al. 2015 PMID: 25741868, with internal and published modifications).

NM_004933.3(CDH15):c.1680G>T (p.Leu560=)

Gene: CDH15 (cadherin 15; plus strand). Cytogenetic location: 16q24.3.
Variant type: single nucleotide variant.
Coding change: c.1680G>T on transcript NM_004933.3 (MANE Select); coding-DNA position 1680, G replaced by T.
Protein change: p.Leu560=; no amino-acid change (leucine 560 retained).
Molecular consequence: synonymous variant.
Genome position (GRCh38, 1-based): chr16:89,192,269, G>T. VCF-style: chr16-89192269-G-T. GRCh37 (hg19) VCF-style: chr16-89258677-G-T.
Identifiers: ClinVar variation 434629 (VCV000434629.49), dbSNP rs779984001, ClinGen allele CA8239380.